The following is an entry in ClinVar:

NM_002439.5(MSH3):c.320A>G (p.Lys107Arg)

Gene: MSH3 (mutS homolog 3; plus strand). Cytogenetic location: 5q14.1.
Variant type: single nucleotide variant.
Coding change: c.320A>G on transcript NM_002439.5 (MANE Select); coding-DNA position 320, A replaced by G.
Protein change: p.Lys107Arg; replaces lysine 107 with arginine.
Molecular consequence: missense variant.
Genome position (GRCh38, 1-based): chr5:80,656,493, A>G. VCF-style: chr5-80656493-A-G. GRCh37 (hg19) VCF-style: chr5-79952312-A-G.
Other names: short protein forms K107R.
Identifiers: ClinVar variation 4706285 (VCV004706285.1).

ClinVar aggregate classification (germline): Uncertain significance (1 of 4 stars; one submission).

Submission:

Labcorp Genetics (formerly Invitae), Labcorp
Classification: Uncertain significance. Last evaluated: 2025-10-15. Review status: criteria provided, single submitter. Criteria: Invitae Variant Classification Sherloc (09022015). Collection method: clinical testing. Allele origin: germline.
Comment: This sequence change replaces lysine, which is basic and polar, with arginine, which is basic and polar, at codon 107 of the MSH3 protein (p.Lys107Arg). This variant is not present in population databases (gnomAD no frequency). This variant has not been reported in the literature in individuals affected with MSH3-related conditions. An algorithm developed to predict the effect of missense changes on protein structure and function (PolyPhen-2) suggests that this variant is likely to be tolerated. In summary, the available evidence is currently insufficient to determine the role of this variant in disease. Therefore, it has been classified as a Variant of Uncertain Significance.